The following is an entry in ClinVar:

ClinVar aggregate classification (germline): Likely benign (1 of 4 stars; one submission).

Conditions:
DGUOK-related disorder. Also called: DGUOK-related condition.

gnomAD v4.1: 15 of 1,563,844 alleles (0.00096%); highest among the groups gnomAD compares: Admixed American, 0.0033%; no homozygotes.

Submission:

PreventionGenetics, part of Exact Sciences
Classification: Likely benign for DGUOK-related condition. Last evaluated: 2025-01-13. Review status: criteria provided, single submitter. Criteria: ACMG Guidelines, 2015. Collection method: clinical testing. Allele origin: germline.
Comment: This variant is classified as likely benign based on ACMG/AMP sequence variant interpretation guidelines (Richards et al. 2015 PMID: 25741868, with internal and published modifications).

NM_080916.3(DGUOK):c.444-61G>A

Gene: DGUOK (deoxyguanosine kinase; plus strand). Cytogenetic location: 2p13.1.
Variant type: single nucleotide variant.
Coding change: c.444-61G>A on transcript NM_080916.3 (MANE Select); 61 bases into the intron before coding-DNA position 444, G replaced by A.
Molecular consequence: intron variant.
Genome position (GRCh38, 1-based): chr2:73,950,524, G>A. VCF-style: chr2-73950524-G-A. GRCh37 (hg19) VCF-style: chr2-74177651-G-A.
Other names: c.153-61G>A (NM_001318861.2, NM_001318860.2); c.135-61G>A (NM_001318862.2, NM_001318863.2); c.443+3618G>A (NM_080918.3); c.425+3636G>A (NM_001318859.2).
Identifiers: ClinVar variation 4977119 (VCV004977119.1).